The following is an entry in ClinVar:

ClinVar aggregate classification (germline): Conflicting classifications of pathogenicity. Review status: criteria provided, conflicting classifications (1 of 4 stars). 3 submissions from 3 submitters: Uncertain significance (2); Benign (1). Last evaluated 2025-05-15.

Conditions:
Hereditary cancer-predisposing syndrome. Also called: Hereditary neoplastic syndrome; Tumor predisposition; Hereditary Cancer Syndrome; Neoplastic Syndromes, Hereditary. Identifiers: Orphanet 140162, MedGen C0027672, MeSH D009386, MONDO:0015356.
BAP1-related tumor predisposition syndrome (TPDS1). Also called: TUMOR PREDISPOSITION SYNDROME 1; BAP1 tumor predisposition syndrome; Tumor susceptibility linked to germline BAP1 mutations; COMMON Syndrome. Identifiers: Orphanet 289539, MedGen C3280492, MONDO:0013692, OMIM 614327.

Submissions (3):

GeneDx
Classification: Uncertain significance. Last evaluated: 2025-05-15. Review status: criteria provided, single submitter. Criteria: GeneDx Variant Classification Process June 2021. Collection method: clinical testing. Allele origin: germline. Affected: yes.
Comment: Not observed at significant frequency in large population cohorts (gnomAD); In silico analysis suggests that this missense variant does not alter protein structure/function; Has not been previously published as pathogenic or benign to our knowledge

Ambry Genetics
Classification: Benign for Hereditary cancer-predisposing syndrome. Last evaluated: 2025-04-04. Review status: criteria provided, single submitter. Criteria: Ambry Variant Classification Scheme 2023. Collection method: clinical testing. Allele origin: germline.

Labcorp Genetics (formerly Invitae), Labcorp
Classification: Uncertain significance for BAP1-related tumor predisposition syndrome. Last evaluated: 2024-11-21. Review status: criteria provided, single submitter. Criteria: Invitae Variant Classification Sherloc (09022015). Collection method: clinical testing. Allele origin: germline.
Comment: This sequence change replaces isoleucine, which is neutral and non-polar, with valine, which is neutral and non-polar, at codon 76 of the BAP1 protein (p.Ile76Val). This variant is not present in population databases (gnomAD no frequency). This variant has not been reported in the literature in individuals affected with BAP1-related conditions. Invitae Evidence Modeling of protein sequence and biophysical properties (such as structural, functional, and spatial information, amino acid conservation, physicochemical variation, residue mobility, and thermodynamic stability) indicates that this missense variant is not expected to disrupt BAP1 protein function with a negative predictive value of 80%. In summary, the available evidence is currently insufficient to determine the role of this variant in disease. Therefore, it has been classified as a Variant of Uncertain Significance.

NM_004656.4(BAP1):c.226A>G (p.Ile76Val)

Gene: BAP1 (BRCA1 associated deubiquitinase 1; minus strand). Cytogenetic location: 3p21.1.
Variant type: single nucleotide variant.
Coding change: c.226A>G on transcript NM_004656.4 (MANE Select); coding-DNA position 226, A replaced by G.
Protein change: p.Ile76Val; replaces isoleucine 76 with valine.
Molecular consequence: missense variant.
Genome position (GRCh38, 1-based): chr3:52,408,503, T>C on the plus strand (A>G on the coding strand, the complement: BAP1 is on the minus strand). VCF-style: chr3-52408503-T-C. GRCh37 (hg19) VCF-style: chr3-52442519-T-C.
Other names: c.226A>G, p.Ile76Val (NM_001410772.1); c.226A>G (NM_004656.3); short protein forms I76V.
Identifiers: ClinVar variation 3707720 (VCV003707720.4).
Genomic context (GRCh38, chr3:52,408,503, plus strand): 5'-CCCTCCAAACAAAGCACAGAGTCCAGCAGACCTGGTGGGCAAAGAACATGTTATTCACAA[T>C]ATCATCATCAATCACGGACGTATCATCCACCAAGGTAGAGACCTTTCGCCGGGACCGGCG-3'
Protein context (NP_004647.1, residues 66-86): VDDTSVIDDD[Ile76Val]VNNMFFAHQL